The following is an entry in ClinVar:

NM_023110.3(FGFR1):c.1343G>A (p.Arg448Gln)

Gene: FGFR1 (fibroblast growth factor receptor 1; minus strand). Cytogenetic location: 8p11.23.
Variant type: single nucleotide variant.
Coding change: c.1343G>A on transcript NM_023110.3 (MANE Select); coding-DNA position 1343, G replaced by A.
Protein change: p.Arg448Gln; replaces arginine 448 with glutamine.
Molecular consequence: missense variant.
Genome position (GRCh38, 1-based): chr8:38,418,315, C>T on the plus strand (G>A on the coding strand, the complement: FGFR1 is on the minus strand). VCF-style: chr8-38418315-C-T. GRCh37 (hg19) VCF-style: chr8-38275833-C-T.
Other names: c.1337G>A, p.Arg446Gln (NM_001174063.2, NM_001174065.2, NM_001354367.2 and 1 more transcripts); c.1313G>A, p.Arg438Gln (NM_001174064.2); c.1076G>A, p.Arg359Gln (NM_001174066.2, NM_023105.3); c.1436G>A, p.Arg479Gln (NM_001174067.2); c.1064G>A, p.Arg355Gln (NM_001354368.2); c.1331G>A, p.Arg444Gln (NM_001354369.2); c.1070G>A, p.Arg357Gln (NM_001354370.2, NM_023106.3); short protein forms R448Q, R357Q, R359Q, R444Q, R446Q, R479Q, R355Q, R438Q.
Identifiers: ClinVar variation 468283 (VCV000468283.19), dbSNP rs758138124, ClinGen allele CA4718406.

ClinVar aggregate classification (germline): Conflicting classifications of pathogenicity. Review status: criteria provided, conflicting classifications (1 of 4 stars). 5 submissions from 5 submitters: Uncertain significance (4); Likely benign (1). Last evaluated 2026-09-04.

Conditions:
Hypogonadotropic hypogonadism 2 with or without anosmia (HH2). Also called: HYPOGONADOTROPIC HYPOGONADISM 2 WITH OR WITHOUT ANOSMIA, SUSCEPTIBILITY TO; HYPOGONADOTROPIC HYPOGONADISM 2 WITHOUT ANOSMIA, SUSCEPTIBILITY TO; HYPOGONADOTROPIC HYPOGONADISM 2 WITHOUT ANOSMIA; FGFR1-Related GnRH Deficiency (Kallmann Syndrome 2). Identifiers: Orphanet 478, MedGen C1563720, MONDO:0007844, OMIM 147950. Disease mechanism: loss of function.
Pfeiffer syndrome (ACS5). Also called: ACS V. Identifiers: Orphanet 710, MedGen C0220658, MONDO:0007043, OMIM 101600.
Encephalocraniocutaneous lipomatosis (ECCL). Identifiers: Orphanet 2396, MedGen C0406612, MONDO:0013074, OMIM 613001.
Jackson-Weiss syndrome (JWS). Also called: CRANIOSYNOSTOSIS, MIDFACIAL HYPOPLASIA, AND FOOT ABNORMALITIES. Identifiers: Orphanet 1540, MedGen C0795998, MONDO:0007400, OMIM 123150. Disease mechanism: loss of function.
Osteoglophonic dysplasia (OGD). Also called: Osteoglophonic dwarfism. Identifiers: Orphanet 2645, MedGen C0432283, MONDO:0008150, OMIM 166250.
Hartsfield-Bixler-Demyer syndrome (HRTFDS). Also called: Hartsfield syndrome; Holoprosencephaly, ectrodactyly, and bilateral cleft lip/palate; FGFR1-Related Hartsfield Syndrome. Identifiers: Orphanet 2117, MedGen C1845146, MONDO:0014196, OMIM 615465. Disease mechanism: loss of function.
Trigonocephaly 1 (TRIGNO1). Identifiers: Orphanet 3366, MedGen C0432122, MONDO:0008603, OMIM 190440.
Inborn genetic diseases. Identifiers: MedGen C0950123, MeSH D030342.

Allele frequency attached by ClinVar (database versions not stated): TOPMed 0.00004; ExAC 0.00005.
gnomAD v4.1: 47 of 1,614,114 alleles (0.0029%); highest among the groups gnomAD compares: South Asian, 0.027%; no homozygotes.

Submissions (5):

GeneDx
Classification: Uncertain significance. Last evaluated: 2026-09-04. Review status: criteria provided, single submitter. Criteria: GeneDx Variant Classification Process June 2021. Collection method: clinical testing. Allele origin: germline.
Comment: In silico analysis supports that this missense variant has a deleterious effect on protein structure/function; Has not been previously published as pathogenic or benign to our knowledge

Labcorp Genetics (formerly Invitae), Labcorp
Classification: Uncertain significance for Pfeiffer syndrome; Hypogonadotropic hypogonadism 2 with or without anosmia. Last evaluated: 2025-10-08. Review status: criteria provided, single submitter. Criteria: Invitae Variant Classification Sherloc (09022015). Collection method: clinical testing. Allele origin: germline.
Comment: This sequence change replaces arginine, which is basic and polar, with glutamine, which is neutral and polar, at codon 448 of the FGFR1 protein (p.Arg448Gln). This variant is present in population databases (rs758138124, gnomAD 0.02%), and has an allele count higher than expected for a pathogenic variant. This variant has not been reported in the literature in individuals affected with FGFR1-related conditions. ClinVar contains an entry for this variant (Variation ID: 468283). Invitae Evidence Modeling of protein sequence and biophysical properties (such as structural, functional, and spatial information, amino acid conservation, physicochemical variation, residue mobility, and thermodynamic stability) indicates that this missense variant is not expected to disrupt FGFR1 protein function with a negative predictive value of 80%. In summary, the available evidence is currently insufficient to determine the role of this variant in disease. Therefore, it has been classified as a Variant of Uncertain Significance.

Fulgent Genetics
Classification: Likely benign for Pfeiffer syndrome; Jackson-Weiss syndrome; Hypogonadotropic hypogonadism 2 with or without anosmia; Osteoglophonic dysplasia; Trigonocephaly 1; Encephalocraniocutaneous lipomatosis; Hartsfield-Bixler-Demyer syndrome. Last evaluated: 2024-02-10. Review status: criteria provided, single submitter. Criteria: ACMG Guidelines, 2015. Collection method: clinical testing. Allele origin: germline.

Ambry Genetics
Classification: Uncertain significance for Inborn genetic diseases. Last evaluated: 2021-07-20. Review status: criteria provided, single submitter. Criteria: Ambry Variant Classification Scheme 2023. Collection method: clinical testing. Allele origin: germline.

ARUP Laboratories, Molecular Genetics and Genomics, ARUP Laboratories
Classification: Uncertain significance. Last evaluated: 2018-04-20. Review status: criteria provided, single submitter. Criteria: ARUP Molecular Germline Variant Investigation Process. Collection method: clinical testing. Allele origin: germline.
Comment: The FGFR1 c.1343G>A; p.Arg448Gln variant (rs758138124) has been identified in a patient diagnosed with idiopathic hypogonadotropic hypogonadism, and functional studies showed that this variant reduced but did not entirely abolish the proteinâ€™s ability to bind to the transcription factor EMX1 (Kim 2010). Another variant affecting this amino acid, p.Arg448Trp, has been reported as pathogenic for GnRH deficiency (Show 2011). The p.Arg448Gln variant is listed in the genome Aggregation Database (gnomAD) with a South Asian population frequency of 0.02% (identified on 6 out of 30,782chromosomes). The arginine at position 448 is highly conserved, considering 12 species, and computational analyses of the effects of the p.Arg448Gln variant on protein structure and function predict a deleterious effect (SIFT: damaging, PolyPhen-2: probably damaging). Although the available evidence is suggestive of pathogenicity, the clinical significance of the p.Arg448Gln variant cannot be determined with certainty.